The following is an entry in ClinVar:

NM_000426.4(LAMA2):c.5C>G (p.Pro2Arg)

Gene: LAMA2 (laminin subunit alpha 2; plus strand). Cytogenetic location: 6q22.33.
Variant type: single nucleotide variant.
Coding change: c.5C>G on transcript NM_000426.4 (MANE Select); coding-DNA position 5, C replaced by G.
Protein change: p.Pro2Arg; replaces proline 2 with arginine.
Molecular consequence: missense variant.
Genome position (GRCh38, 1-based): chr6:128,883,250, C>G. VCF-style: chr6-128883250-C-G. GRCh37 (hg19) VCF-style: chr6-129204395-C-G.
Other names: c.5C>G (NM_000426.3); c.5C>G, p.Pro2Arg (NM_001079823.2); short protein forms P2R.
Identifiers: ClinVar variation 999376 (VCV000999376.3), dbSNP rs1247617026, ClinGen allele CA365828168.
Genomic context (GRCh38, chr6:128,883,250, plus strand): 5'-AGGGCGGCAGCGACTCCTCTGGCTCCCGAGAAGTGGATCCGGTCGCGGCCACTACGATGC[C>G]GGGAGCCGCCGGGGTCCTCCTCCTTCTGCTGCTCTCCGGAGGCCTCGGGGGCGTACAGGC-3'
Protein context (NP_000417.3, residues 1-12): M[Pro2Arg]GAAGVLLLLL

ClinVar aggregate classification (germline): Uncertain significance. Review status: criteria provided, multiple submitters, no conflicts (2 of 4 stars). 2 submissions from 2 submitters: Uncertain significance (2). Last evaluated 2025-08-26.

Conditions:
Inborn genetic diseases. Identifiers: MedGen C0950123, MeSH D030342.
LAMA2-related muscular dystrophy (LAMA2-RD). Also called: Laminin alpha 2-related dystrophy. Identifiers: MedGen C5679788, MONDO:0100228.

Allele frequency attached by ClinVar (database versions not stated): gnomAD exomes below 0.00001 and 0.00002; TOPMed 0.00001.
gnomAD v4.1: 6 of 1,552,728 alleles (0.00039%); highest among the groups gnomAD compares: Admixed American, 0.0058%; no homozygotes.

Submissions (2):

Ambry Genetics
Classification: Uncertain significance for Inborn genetic diseases. Last evaluated: 2025-08-26. Review status: criteria provided, single submitter. Criteria: Ambry Variant Classification Scheme 2023. Collection method: clinical testing. Allele origin: germline.

Labcorp Genetics (formerly Invitae), Labcorp
Classification: Uncertain significance for LAMA2-related muscular dystrophy. Last evaluated: 2021-12-03. Review status: criteria provided, single submitter. Criteria: Invitae Variant Classification Sherloc (09022015). Collection method: clinical testing. Allele origin: germline.
Comment: This sequence change replaces proline, which is neutral and non-polar, with arginine, which is basic and polar, at codon 2 of the LAMA2 protein (p.Pro2Arg). This variant is present in population databases (no rsID available, gnomAD 0.01%). This variant has not been reported in the literature in individuals affected with LAMA2-related conditions. ClinVar contains an entry for this variant (Variation ID: 999376). Advanced modeling of protein sequence and biophysical properties (such as structural, functional, and spatial information, amino acid conservation, physicochemical variation, residue mobility, and thermodynamic stability) performed at Invitae indicates that this missense variant is not expected to disrupt LAMA2 protein function. In summary, the available evidence is currently insufficient to determine the role of this variant in disease. Therefore, it has been classified as a Variant of Uncertain Significance.